The following is an entry in ClinVar:

ClinVar aggregate classification (germline): Uncertain significance (1 of 4 stars; one submission).

Conditions:
ZNF292-related disorder. Also called: ZNF292-related condition.

Allele frequency attached by ClinVar (database versions not stated): gnomAD exomes below 0.00001.
gnomAD v4.1: 1 of 1,613,858 alleles (0.000062%); highest among the groups gnomAD compares: Non-Finnish European, 0.000085%; no homozygotes.

Submission:

PreventionGenetics, part of Exact Sciences
Classification: Uncertain significance for ZNF292-related condition. Last evaluated: 2023-01-10. Review status: criteria provided, single submitter. Criteria: ACMG Guidelines, 2015. Collection method: clinical testing. Allele origin: germline.
Comment: The ZNF292 c.3535G>T variant is predicted to result in the amino acid substitution p.Ala1179Ser. To our knowledge, this variant has not been reported in the literature or in a large population database, indicating this variant is rare. At this time, the clinical significance of this variant is uncertain due to the absence of conclusive functional and genetic evidence.

NM_015021.3(ZNF292):c.3535G>T (p.Ala1179Ser)

Gene: ZNF292 (zinc finger protein 292; plus strand). Cytogenetic location: 6q14.3.
Variant type: single nucleotide variant.
Coding change: c.3535G>T on transcript NM_015021.3 (MANE Select); coding-DNA position 3535, G replaced by T.
Protein change: p.Ala1179Ser; replaces alanine 1179 with serine.
Molecular consequence: missense variant.
Genome position (GRCh38, 1-based): chr6:87,257,164, G>T. VCF-style: chr6-87257164-G-T. GRCh37 (hg19) VCF-style: chr6-87966882-G-T.
Other names: c.3115G>T, p.Ala1039Ser (NM_001351444.2); short protein forms A1039S, A1179S.
Identifiers: ClinVar variation 2635300 (VCV002635300.1), dbSNP rs2482315220, ClinGen allele CA364922646.